The following is an entry in ClinVar:

ClinVar aggregate classification (germline): Uncertain significance (1 of 4 stars; one submission).

Conditions:
Infantile-onset X-linked spinal muscular atrophy. Also called: Spinal Muscular Atrophy, X-Linked Infantile; Spinal muscular atrophy, X-linked 2; SPINAL MUSCULAR ATROPHY, X-LINKED LETHAL INFANTILE; AMC, DISTAL, X-LINKED; ARTHROGRYPOSIS, X-LINKED, TYPE I. Identifiers: Orphanet 1145, MedGen C1844934, MONDO:0010532, OMIM 301830.

Allele frequency attached by ClinVar (database versions not stated): gnomAD exomes below 0.00001.

Submission:

Labcorp Genetics (formerly Invitae), Labcorp
Classification: Uncertain significance for Infantile-onset X-linked spinal muscular atrophy. Last evaluated: 2024-01-11. Review status: criteria provided, single submitter. Criteria: Invitae Variant Classification Sherloc (09022015). Collection method: clinical testing. Allele origin: germline.
Comment: This sequence change replaces arginine, which is basic and polar, with glutamine, which is neutral and polar, at codon 119 of the UBA1 protein (p.Arg119Gln). This variant is not present in population databases (gnomAD no frequency). This variant has not been reported in the literature in individuals affected with UBA1-related conditions. ClinVar contains an entry for this variant (Variation ID: 1507385). An algorithm developed to predict the effect of missense changes on protein structure and function (PolyPhen-2) suggests that this variant is likely to be tolerated. In summary, the available evidence is currently insufficient to determine the role of this variant in disease. Therefore, it has been classified as a Variant of Uncertain Significance.

NM_003334.4(UBA1):c.356G>A (p.Arg119Gln)

Gene: UBA1 (ubiquitin like modifier activating enzyme 1; plus strand). Cytogenetic location: Xp11.3.
Variant type: single nucleotide variant.
Coding change: c.356G>A on transcript NM_003334.4 (MANE Select); coding-DNA position 356, G replaced by A.
Protein change: p.Arg119Gln; replaces arginine 119 with glutamine.
Molecular consequence: missense variant.
Genome position (GRCh38, 1-based): chrX:47,199,490, G>A. VCF-style: chrX-47199490-G-A. GRCh37 (hg19) VCF-style: chrX-47058889-G-A.
Other names: c.356G>A, p.Arg119Gln (NM_153280.3); short protein forms R119Q.
Identifiers: ClinVar variation 1507385 (VCV001507385.8), dbSNP rs1556786841, ClinGen allele CA412788570.